The following is an entry in ClinVar:

NM_002485.5(NBN):c.667_668insTTTATATTTTTATTATATAAAATATAATAAAGAAAACATTTATATTTTATAATATAAAAATATTATATTATATATAAAATATAATAAAGAAAACATTATATA (p.Lys223delinsIleTyrIlePheIleIleTer)

Gene: NBN (nibrin; minus strand). Cytogenetic location: 8q21.3.
Variant type: Microsatellite.
Coding change: c.667_668insTTTATATTTTTATTATATAAAATATAATAAAGAAAACATTTATATTTTATAATATAAAAATATTATATTATATATAAAATATAATAAAGAAAACATTATATA on transcript NM_002485.5 (MANE Select); coding-DNA positions 667 to 668, TTTATATTTTTATTATATAAAATATAATAAAGAAAACATTTATATTTTATAATATAAAAATATTATATTATATATAAAATATAATAAAGAAAACATTATATA inserted.
Protein change: p.Lys223delinsIleTyrIlePheIleIleTer.
Molecular consequence: nonsense.
Genome position: GRCh38, VCF-style position (the base before the change): chr8:89,971,207. GRCh37 (hg19), VCF-style position (the base before the change): chr8:90,983,435.
Other names: c.421_422insTTTATATTTTTATTATATAAAATATAATAAAGAAAACATTTATATTTTATAATATAAAAATATTATATTATATATAAAATATAATAAAGAAAACATTATATA, p.Lys141delinsIleTyrIlePheIleIleTer (NM_001024688.3).
Identifiers: ClinVar variation 1944065 (VCV001944065.5).

ClinVar aggregate classification (germline): Pathogenic (1 of 4 stars; one submission).

Conditions:
Microcephaly, normal intelligence and immunodeficiency (NBS). Also called: Immunodeficiency, microcephaly with normal intelligence; Nijmegen breakage syndrome; Microcephaly with normal intelligence immunodeficiency and lymphoreticular malignancies; Nonsyndromal microcephaly autosomal recessive with normal intelligence; Seemanova syndrome 2; BERLIN BREAKAGE SYNDROME. Identifiers: Orphanet 647, MedGen C0398791, MONDO:0009623, OMIM 251260.

Submission:

Labcorp Genetics (formerly Invitae), Labcorp
Classification: Pathogenic for Microcephaly, normal intelligence and immunodeficiency. Last evaluated: 2021-10-18. Review status: criteria provided, single submitter. Criteria: Invitae Variant Classification Sherloc (09022015). Collection method: clinical testing. Allele origin: germline.
Comment: For these reasons, this variant has been classified as Pathogenic. This variant has not been reported in the literature in individuals affected with NBN-related conditions. This variant is not present in population databases (gnomAD no frequency). This sequence change creates a premature translational stop signal (p.Lys223_Phe229delinsIleTyrIlePheIleIle*) in the NBN gene. It is expected to result in an absent or disrupted protein product. Loss-of-function variants in NBN are known to be pathogenic (PMID: 9590180, 16415040).

Literature cited by the submitters: PubMed 9590180; PubMed 16415040.